The following is an entry in ClinVar:

NM_001276270.2(MBD4):c.113A>T (p.Asp38Val)

Gene: MBD4 (methyl-CpG binding domain 4, DNA glycosylase; minus strand). Cytogenetic location: 3q21.3.
Variant type: single nucleotide variant.
Coding change: c.113A>T on transcript NM_001276270.2 (MANE Select); coding-DNA position 113, A replaced by T.
Protein change: p.Asp38Val; replaces aspartic acid 38 with valine.
Molecular consequence: missense variant.
Genome position (GRCh38, 1-based): chr3:129,437,942, T>A on the plus strand (A>T on the coding strand, the complement: MBD4 is on the minus strand). VCF-style: chr3-129437942-T-A. GRCh37 (hg19) VCF-style: chr3-129156785-T-A.
Other names: c.113A>T, p.Asp38Val (NM_001276271.2, NM_001276272.2, NM_001276273.2 and 1 more transcripts); short protein forms D38V.
Identifiers: ClinVar variation 3543814 (VCV003543814.2).

ClinVar aggregate classification (germline): Uncertain significance (1 of 4 stars; one submission).

Conditions:
Inborn genetic diseases. Identifiers: MedGen C0950123, MeSH D030342.

Submission:

Ambry Genetics
Classification: Uncertain significance for Inborn genetic diseases. Last evaluated: 2025-03-15. Review status: criteria provided, single submitter. Criteria: Ambry Variant Classification Scheme 2023. Collection method: clinical testing. Allele origin: germline.
Comment: The p.D38V variant (also known as c.113A>T), located in coding exon 2 of the MBD4 gene, results from an A to T substitution at nucleotide position 113. The aspartic acid at codon 38 is replaced by valine, an amino acid with highly dissimilar properties. This amino acid position is conserved. In addition, this alteration is predicted to be tolerated by in silico analysis. Based on the available evidence, the clinical significance of this variant remains unclear.